The following is an entry in ClinVar:

ClinVar aggregate classification (germline): Likely benign. Review status: criteria provided, single submitter (1 of 4 stars). 2 submissions from 2 submitters: Likely benign (1). 1 of the submissions does not count toward it. Last evaluated 2021-12-06.

Conditions:
PLXNA1-related disorder. Also called: PLXNA1-related condition.

Allele frequency attached by ClinVar (database versions not stated): gnomAD exomes below 0.00001 and 0.00002; gnomAD 0.00001; TOPMed 0.00001; ESP Exome Variant Server 0.00008.
gnomAD v4.1: 30 of 1,612,912 alleles (0.0019%); highest among the groups gnomAD compares: Non-Finnish European, 0.0025%; no homozygotes.

Submissions (2):

Labcorp Genetics (formerly Invitae), Labcorp
Classification: Likely benign. Last evaluated: 2021-12-06. Review status: criteria provided, single submitter. Criteria: Invitae Variant Classification Sherloc (09022015). Collection method: clinical testing. Allele origin: germline.

PreventionGenetics, part of Exact Sciences
Classification: Likely benign for PLXNA1-related condition. Last evaluated: 2024-09-03. Review status: no assertion criteria provided. Collection method: clinical testing. Allele origin: germline. Not counted in ClinVar's aggregate classification.
Comment: This variant is classified as likely benign based on ACMG/AMP sequence variant interpretation guidelines (Richards et al. 2015 PMID: 25741868, with internal and published modifications).

NM_032242.4(PLXNA1):c.3813A>T (p.Ser1271=)

Gene: PLXNA1 (plexin A1; plus strand). Cytogenetic location: 3q21.3.
Variant type: single nucleotide variant.
Coding change: c.3813A>T on transcript NM_032242.4 (MANE Select); coding-DNA position 3813, A replaced by T.
Protein change: p.Ser1271=; no amino-acid change (serine 1271 retained).
Molecular consequence: synonymous variant.
Genome position (GRCh38, 1-based): chr3:127,018,446, A>T. VCF-style: chr3-127018446-A-T. GRCh37 (hg19) VCF-style: chr3-126737289-A-T.
Other names: c.3813A>T (NM_032242.3).
Identifiers: ClinVar variation 1576146 (VCV001576146.9), dbSNP rs371701701, ClinGen allele CA83322987.